The following is an entry in ClinVar:

NM_015178.3(RHOBTB2):c.1079C>T (p.Ala360Val)

Gene: RHOBTB2 (Rho related BTB domain containing 2; plus strand). Cytogenetic location: 8p21.3.
Variant type: single nucleotide variant.
Coding change: c.1079C>T on transcript NM_015178.3 (MANE Select); coding-DNA position 1079, C replaced by T.
Protein change: p.Ala360Val; replaces alanine 360 with valine.
Molecular consequence: missense variant.
Genome position (GRCh38, 1-based): chr8:23,007,324, C>T. VCF-style: chr8-23007324-C-T. GRCh37 (hg19) VCF-style: chr8-22864837-C-T.
Other names: c.1145C>T, p.Ala382Val (NM_001160036.2); c.1100C>T, p.Ala367Val (NM_001160037.2); c.1079C>T, p.Ala360Val (NM_001374791.1); short protein forms A360V, A367V, A382V.
Identifiers: ClinVar variation 3622074 (VCV003622074.2).

ClinVar aggregate classification (germline): Uncertain significance (1 of 4 stars; one submission).

gnomAD v4.1: 5 of 1,613,566 alleles (0.00031%); highest among the groups gnomAD compares: Non-Finnish European, 0.00034%; no homozygotes.

Submission:

Labcorp Genetics (formerly Invitae), Labcorp
Classification: Uncertain significance. Last evaluated: 2024-04-18. Review status: criteria provided, single submitter. Criteria: Invitae Variant Classification Sherloc (09022015). Collection method: clinical testing. Allele origin: germline.
Comment: This sequence change replaces alanine, which is neutral and non-polar, with valine, which is neutral and non-polar, at codon 382 of the RHOBTB2 protein (p.Ala382Val). This variant is not present in population databases (gnomAD no frequency). This variant has not been reported in the literature in individuals affected with RHOBTB2-related conditions. Advanced modeling of protein sequence and biophysical properties (such as structural, functional, and spatial information, amino acid conservation, physicochemical variation, residue mobility, and thermodynamic stability) performed at Invitae indicates that this missense variant is not expected to disrupt RHOBTB2 protein function with a negative predictive value of 80%. In summary, the available evidence is currently insufficient to determine the role of this variant in disease. Therefore, it has been classified as a Variant of Uncertain Significance.